The following is an entry in ClinVar:

ClinVar aggregate classification (germline): Likely pathogenic (1 of 4 stars; one submission).

Conditions:
Diamond-Blackfan anemia 3 (DBA3). Also called: RPS24-Related Diamond-Blackfan Anemia. Identifiers: Orphanet 124, MedGen C1857719, MONDO:0012529, OMIM 610629.

Submission:

Neuberg Centre For Genomic Medicine, NCGM
Classification: Likely pathogenic for Diamond-Blackfan anemia 3. Review status: criteria provided, single submitter. Criteria: ACMG Guidelines, 2015. Collection method: clinical testing. Allele origin: germline. Inheritance: Autosomal dominant inheritance. Affected: yes. Observed: 1 heterozygote.
Comment: The frameshift deletion NM_033022.4(RPS24):c.157delG (p.Asp53Metfs*22) has not been reported previously as a pathogenic variant nor as a benign variant, to our knowledge. The p.Asp53Metfs*22 variant is novel (not in any individuals) in gnomAD. The p.Asp53Metfs*22 variant is novel (not in any individuals) in 1kG. This variant is predicted to cause loss of normal protein function through protein truncation caused a frameshift mutation. The frame shifted sequence continues 22 residues until a stop codon is reached. For these reasons, this variant has been classified as Likely Pathogenic.

Literature cited by the submitters: PubMed 30228860.

NM_033022.4(RPS24):c.157del (p.Asp53fs)

Gene: RPS24 (ribosomal protein S24; plus strand). Cytogenetic location: 10q22.3.
Variant type: Deletion.
Coding change: c.157del on transcript NM_033022.4 (MANE Select); coding-DNA position 157, one base deleted (G; older notation c.157delG).
Protein change: p.Asp53fs; shifts the reading frame from aspartic acid 53.
Molecular consequence: frameshift variant.
Genome position (GRCh38, 1-based): chr10:78,035,598, G deleted; the last of 2 consecutive G bases (chr10:78,035,597-78,035,598); deleting either gives the same sequence. VCF-style (leftmost placement, unchanged base first): chr10-78035596-CG-C. GRCh37 (hg19) VCF-style: chr10-79795354-CG-C.
Other names: c.157del, p.Asp53fs (NM_001026.5, NM_001142282.2, NM_001142283.2 and 2 more transcripts); short protein forms D53fs.
Identifiers: ClinVar variation 1162257 (VCV001162257.3), dbSNP rs2131976643, ClinGen allele CA2499220397.
Genomic context (GRCh38, chr10:78,035,596, plus strand): 5'-AGGCGACAGTGCCTAAGACAGAAATTCGGGAAAAACTAGCCAAAATGTACAAGACCACAC[CG>C]GATGTCATCTTTGTATTTGGATTCAGAACTCATTTTGGTGGTGGCAAGACAACTGGCTTT-3'